The following is an entry in ClinVar:

NM_170675.5(MEIS2):c.1262A>G (p.His421Arg)

Gene: MEIS2 (Meis homeobox 2; minus strand). Cytogenetic location: 15q14.
Variant type: single nucleotide variant.
Coding change: c.1262A>G on transcript NM_170675.5 (MANE Select); coding-DNA position 1262, A replaced by G.
Protein change: p.His421Arg; replaces histidine 421 with arginine.
Molecular consequence: missense variant. On other transcripts: 3 prime UTR variant (5), non-coding transcript variant (1).
Genome position (GRCh38, 1-based): chr15:36,892,345, T>C on the plus strand (A>G on the coding strand, the complement: MEIS2 is on the minus strand). VCF-style: chr15-36892345-T-C. GRCh37 (hg19) VCF-style: chr15-37184546-T-C.
Other names: c.1241A>G, p.His414Arg (NM_001220482.2, NM_170676.5); c.*152A>G (NM_002399.4, NM_170674.5, NM_170677.5 and 2 more transcripts); c.1262A>G (NM_170675.4); short protein forms H414R, H421R.
Identifiers: ClinVar variation 2645154 (VCV002645154.26), dbSNP rs144548752, ClinGen allele CA7469133.

ClinVar aggregate classification (germline): Benign/Likely benign. Review status: criteria provided, multiple submitters, no conflicts (2 of 4 stars). 3 submissions from 3 submitters: Benign (1); Likely benign (1). 1 of the submissions does not count toward it. Last evaluated 2024-10-18.

Conditions:
MEIS2-related disorder.

Allele frequency attached by ClinVar (database versions not stated): gnomAD 0.00081; TOPMed 0.00083; ExAC 0.00086; ESP Exome Variant Server 0.00115; gnomAD exomes 0.00128.

Submissions (3):

Blueprint Genetics
Classification: Likely benign. Last evaluated: 2024-10-18. Review status: criteria provided, single submitter. Criteria: ACMG Guidelines, 2015. Collection method: clinical testing. Allele origin: germline.

CeGaT Center for Human Genetics Tuebingen
Classification: Benign. Last evaluated: 2024-09-01. Review status: criteria provided, single submitter. Criteria: CeGaT Center For Human Genetics Tuebingen Variant Classification Criteria Version 2. Collection method: clinical testing. Allele origin: germline. Affected: yes. Observed: 3 variant alleles.
Comment: MEIS2: BS1, BS2

PreventionGenetics, part of Exact Sciences
Classification: Likely benign for MEIS2-related condition. Last evaluated: 2023-12-20. Review status: no assertion criteria provided. Collection method: clinical testing. Allele origin: germline. Not counted in ClinVar's aggregate classification.
Comment: This variant is classified as likely benign based on ACMG/AMP sequence variant interpretation guidelines (Richards et al. 2015 PMID: 25741868, with internal and published modifications).